The following is an entry in ClinVar:

ClinVar aggregate classification (germline): Uncertain significance (1 of 4 stars; one submission).

Allele frequency attached by ClinVar (database versions not stated): gnomAD exomes below 0.00001.
gnomAD v4.1: 1 of 1,614,024 alleles (0.000062%); highest among the groups gnomAD compares: Non-Finnish European, 0.000085%; no homozygotes.

Submission:

Labcorp Genetics (formerly Invitae), Labcorp
Classification: Uncertain significance. Last evaluated: 2023-01-12. Review status: criteria provided, single submitter. Criteria: Invitae Variant Classification Sherloc (09022015). Collection method: clinical testing. Allele origin: germline.
Comment: In summary, the available evidence is currently insufficient to determine the role of this variant in disease. Therefore, it has been classified as a Variant of Uncertain Significance. Algorithms developed to predict the effect of missense changes on protein structure and function are either unavailable or do not agree on the potential impact of this missense change (SIFT: "Deleterious"; PolyPhen-2: "Not Available"; Align-GVGD: "Class C0"). This variant has not been reported in the literature in individuals affected with COL4A4-related conditions. This variant is not present in population databases (gnomAD no frequency). This sequence change replaces glycine, which is neutral and non-polar, with valine, which is neutral and non-polar, at codon 1051 of the COL4A4 protein (p.Gly1051Val).

NM_000092.5(COL4A4):c.3152G>T (p.Gly1051Val)

Gene: COL4A4 (collagen type IV alpha 4 chain; minus strand). Cytogenetic location: 2q36.3.
Variant type: single nucleotide variant.
Coding change: c.3152G>T on transcript NM_000092.5 (MANE Select); coding-DNA position 3152, G replaced by T.
Protein change: p.Gly1051Val; replaces glycine 1051 with valine.
Molecular consequence: missense variant.
Genome position (GRCh38, 1-based): chr2:227,050,130, C>A on the plus strand (G>T on the coding strand, the complement: COL4A4 is on the minus strand). VCF-style: chr2-227050130-C-A. GRCh37 (hg19) VCF-style: chr2-227914846-C-A.
Other names: short protein forms G1051V.
Identifiers: ClinVar variation 2826354 (VCV002826354.3), dbSNP rs1973765207, ClinGen allele CA350838911.